The following is an entry in ClinVar:

ClinVar aggregate classification (germline): Uncertain significance (1 of 4 stars; one submission).

gnomAD v4.1: 3 of 1,536,228 alleles (0.0002%); highest among the groups gnomAD compares: Non-Finnish European, 0.00026%; no homozygotes.

Submission:

GeneDx
Classification: Uncertain significance. Last evaluated: 2019-12-16. Review status: criteria provided, single submitter. Criteria: GeneDx Variant Classification Process June 2021. Collection method: clinical testing. Allele origin: germline. Affected: yes.
Comment: Not observed in large population cohorts (Lek et al., 2016); In silico analysis, which includes protein predictors and evolutionary conservation, supports a deleterious effect; Has not been previously published as pathogenic or benign to our knowledge

NM_001394998.1(TANC2):c.772A>G (p.Thr258Ala)

Gene: TANC2 (tetratricopeptide repeat, ankyrin repeat and coiled-coil containing 2; plus strand). Cytogenetic location: 17q23.3.
Variant type: single nucleotide variant.
Coding change: c.772A>G on transcript NM_001394998.1 (MANE Select); coding-DNA position 772, A replaced by G.
Protein change: p.Thr258Ala; replaces threonine 258 with alanine.
Molecular consequence: missense variant.
Genome position (GRCh38, 1-based): chr17:63,237,816, A>G. VCF-style: chr17-63237816-A-G. GRCh37 (hg19) VCF-style: chr17-61315177-A-G.
Other names: c.550A>G, p.Thr184Ala (NM_025185.4); short protein forms T184A, T258A.
Identifiers: ClinVar variation 1317142 (VCV001317142.3), dbSNP rs2146052824, ClinGen allele CA400792337.
Genomic context (GRCh38, chr17:63,237,816, plus strand): 5'-AGATTAATAACTGTATGTATGTGGCTTTATTAAATTCATTTTACTCTTTTTTTTTCAGCT[A>G]CATTAACAAGCTATTCTGAAAATGTGGAACGCACAAAATATGCTGGGGAAAGCAGTAAAG-3'
Protein context (NP_001381927.1, residues 248-268): LESRDSGIIA[Thr258Ala]LTSYSENVER